The following is an entry in ClinVar:

NM_004820.5(CYP7B1):c.1100C>T (p.Thr367Ile)

Gene: CYP7B1 (cytochrome P450 family 7 subfamily B member 1; minus strand). Cytogenetic location: 8q12.3.
Variant type: single nucleotide variant.
Coding change: c.1100C>T on transcript NM_004820.5 (MANE Select); coding-DNA position 1100, C replaced by T.
Protein change: p.Thr367Ile; replaces threonine 367 with isoleucine.
Molecular consequence: missense variant.
Genome position (GRCh38, 1-based): chr8:64,604,815, G>A on the plus strand (C>T on the coding strand, the complement: CYP7B1 is on the minus strand). VCF-style: chr8-64604815-G-A. GRCh37 (hg19) VCF-style: chr8-65517372-G-A.
Other names: c.1100C>T, p.Thr367Ile (NM_001324112.2); c.1100C>T (NM_004820.3); short protein forms T367I.
Identifiers: ClinVar variation 1430164 (VCV001430164.6), dbSNP rs999676674, ClinGen allele CA178386092.
Genomic context (GRCh38, chr8:64,604,815, plus strand): 5'-ACACAGTAGTCCCCGGTCTCTGAACTGAGAGTCAAATCCTCCTCAACAAAACGAATGGTG[G>A]TTGAATATGAGGACAGTCGTAAAGCTTCAAAAATGCTGCTTTCTGAAGGAAAAAAACAAA-3'
Protein context (NP_004811.1, residues 357-377): FEALRLSSYS[Thr367Ile]TIRFVEEDLT

ClinVar aggregate classification (germline): Uncertain significance. Review status: criteria provided, multiple submitters, no conflicts (2 of 4 stars). 2 submissions from 2 submitters: Uncertain significance (2). Last evaluated 2022-03-19.

Conditions:
Inborn genetic diseases. Identifiers: MedGen C0950123, MeSH D030342.
Spastic paraplegia. Identifiers: MedGen C0037772, HP:0001258.

Allele frequency attached by ClinVar (database versions not stated): gnomAD exomes below 0.00001; gnomAD 0.00005.
gnomAD v4.1: 9 of 1,614,032 alleles (0.00056%); highest among the groups gnomAD compares: African/African-American, 0.0093%; no homozygotes.

Submissions (2):

Labcorp Genetics (formerly Invitae), Labcorp
Classification: Uncertain significance for Spastic paraplegia. Last evaluated: 2022-03-19. Review status: criteria provided, single submitter. Criteria: Invitae Variant Classification Sherloc (09022015). Collection method: clinical testing. Allele origin: germline.
Comment: This sequence change replaces threonine, which is neutral and polar, with isoleucine, which is neutral and non-polar, at codon 367 of the CYP7B1 protein (p.Thr367Ile). This variant is present in population databases (no rsID available, gnomAD 0.01%). This variant has not been reported in the literature in individuals affected with CYP7B1-related conditions. Algorithms developed to predict the effect of missense changes on protein structure and function (SIFT, PolyPhen-2, Align-GVGD) all suggest that this variant is likely to be tolerated. In summary, the available evidence is currently insufficient to determine the role of this variant in disease. Therefore, it has been classified as a Variant of Uncertain Significance.

Ambry Genetics
Classification: Uncertain significance for Inborn genetic diseases. Last evaluated: 2021-12-06. Review status: criteria provided, single submitter. Criteria: Ambry Variant Classification Scheme 2023. Collection method: clinical testing. Allele origin: germline.